The following is an entry in ClinVar:

NM_001384474.1(LOXHD1):c.3061+1G>T

Gene: LOXHD1 (lipoxygenase homology PLAT domains 1; minus strand). Cytogenetic location: 18q21.1.
Variant type: single nucleotide variant.
Coding change: c.3061+1G>T on transcript NM_001384474.1 (MANE Select); the canonical splice donor site of the intron after coding-DNA position 3061, G replaced by T.
Molecular consequence: splice donor variant.
Genome position (GRCh38, 1-based): chr18:46,560,082, C>A on the plus strand (G>T on the coding strand, the complement: LOXHD1 is on the minus strand). VCF-style: chr18-46560082-C-A. GRCh37 (hg19) VCF-style: chr18-44140045-C-A.
Other names: c.3061+1G>T (NM_144612.7).
Identifiers: ClinVar variation 452585 (VCV000452585.3), dbSNP rs537227442, ClinGen allele CA402369650.
Genomic context (GRCh38, chr18:46,560,082, plus strand): 5'-CCCCTTTAGGGGAACTGTCTGGCCACTCCCTCCCCACCCCCACCCCCCACGACCCACTTA[C>A]GCTCAGGACCCGGCTTGCCAGCTGGCACCAACTCCACGACAAGTTCGTTGTCCTCCTTGC-3'

ClinVar aggregate classification (germline): Likely pathogenic. Review status: criteria provided, single submitter (1 of 4 stars). 2 submissions from 2 submitters: Likely pathogenic (1). 1 of the submissions does not count toward it. Last evaluated 2017-10-18.

Conditions:
Autosomal recessive nonsyndromic hearing loss 77. Identifiers: Orphanet 90636, MedGen C2746083, MONDO:0013119, OMIM 613079.

Submissions (2):

GeneDx
Classification: Likely pathogenic. Last evaluated: 2017-10-18. Review status: criteria provided, single submitter. Criteria: GeneDx Variant Classification (06012015). Collection method: clinical testing. Allele origin: germline. Affected: yes.
Comment: The c.3061+1G>T variant in the LOXHD1 gene has not been reported previously as a pathogenic variant nor as a benign variant, to our knowledge. This splice site variant destroys the canonical splice donor site in intron 19. It is predicted to cause abnormal gene splicing, either leading to an abnormal message that is subject to nonsense-mediated mRNA decay, or to an abnormal protein product if the message is used for protein translation. The c.3061+1G>T variant is not observed in large population cohorts (Lek et al., 2016). We interpret c.3061+1G>T as a likely pathogenic variant.

Natera, Inc.
Classification: Likely pathogenic for Autosomal recessive deafness type 77. Last evaluated: 2021-05-26. Review status: no assertion criteria provided. Collection method: clinical testing. Allele origin: germline. Not counted in ClinVar's aggregate classification.